The following is an entry in ClinVar:

ClinVar aggregate classification (germline): Uncertain significance (1 of 4 stars; one submission).

Submission:

Quest Diagnostics Nichols Institute San Juan Capistrano
Classification: Uncertain significance. Last evaluated: 2024-01-18. Review status: criteria provided, single submitter. Criteria: Quest Diagnostics criteria. Collection method: clinical testing. Allele origin: unknown.
Comment: The THRB c.790G>C (p.Val264Leu) variant has not been reported in individuals with THRB-related conditions in the published literature. It also has not been reported in large, multi-ethnic general populations (Genome Aggregation Database). Analysis of this variant using bioinformatics tools for the prediction of the effect of amino acid changes on protein structure and function yielded predictions that this variant is damaging. Based on the available information, we are unable to determine the clinical significance of this variant.

NM_001354712.2(THRB):c.790G>C (p.Val264Leu)

Gene: THRB (thyroid hormone receptor beta; minus strand). Cytogenetic location: 3p24.2.
Variant type: single nucleotide variant.
Coding change: c.790G>C on transcript NM_001354712.2 (MANE Select); coding-DNA position 790, G replaced by C.
Protein change: p.Val264Leu; replaces valine 264 with leucine.
Molecular consequence: missense variant.
Genome position (GRCh38, 1-based): chr3:24,133,411, C>G on the plus strand (G>C on the coding strand, the complement: THRB is on the minus strand). VCF-style: chr3-24133411-C-G. GRCh37 (hg19) VCF-style: chr3-24174902-C-G.
Other names: c.790G>C, p.Val264Leu (NM_000461.5, NM_001128176.3, NM_001128177.2 and 12 more transcripts); c.697G>C, p.Val233Leu (NM_001354714.2, NM_001354715.2); short protein forms V233L, V264L.
Identifiers: ClinVar variation 3572091 (VCV003572091.1).